The following is an entry in ClinVar:

NM_014714.4(IFT140):c.2888A>G (p.Gln963Arg)

Genes: IFT140 (intraflagellar transport 140; minus strand), LOC126862260 (CDK7 strongly-dependent group 2 enhancer GRCh37_chr16:1574508-1575707; plus strand). Cytogenetic location: 16p13.3.
Variant type: single nucleotide variant.
Coding change: c.2888A>G on transcript NM_014714.4 (MANE Select); coding-DNA position 2888, A replaced by G.
Protein change: p.Gln963Arg; replaces glutamine 963 with arginine.
Molecular consequence: missense variant.
Genome position (GRCh38, 1-based): chr16:1,524,893, T>C on the plus strand (A>G on the coding strand, the complement: IFT140 is on the minus strand). VCF-style: chr16-1524893-T-C. GRCh37 (hg19) VCF-style: chr16-1574894-T-C.
Other names: short protein forms Q963R.
Identifiers: ClinVar variation 4772528 (VCV004772528.1).
Genomic context (GRCh38, chr16:1,524,893, plus strand): 5'-TCCCGGGCCAGCTCGTAGTAGTGCAGCGCGGCGTCCATCTCGCCCTGGCTCTCCAGGTAC[T>C]GCGCCCACCACCGCCACAGGGTCCTGCGGGCAGCCCAAGACCATGGATTCTCCACCCGAG-3'
Protein context (NP_055529.2, residues 953-973): KDKTLWRWWA[Gln963Arg]YLESQGEMDA

ClinVar aggregate classification (germline): Uncertain significance (1 of 4 stars; one submission).

Conditions:
Saldino-Mainzer syndrome (SRTD9). Also called: CONORENAL SYNDROME; Renal dysplasia, retinal pigmentary dystrophy, cerebellar ataxia and skeletal dysplasia; SHORT-RIB THORACIC DYSPLASIA 9 WITHOUT POLYDACTYLY; short-rib thoracic dysplasia 9 with or without polydactyly. Identifiers: Orphanet 140969, MedGen C1849437, MONDO:0009964, OMIM 266920.

gnomAD v4.1: 1 of 1,609,592 alleles (0.000062%); highest among the groups gnomAD compares: Non-Finnish European, 0.000085%; no homozygotes.

Submission:

Labcorp Genetics (formerly Invitae), Labcorp
Classification: Uncertain significance for Saldino-Mainzer syndrome. Last evaluated: 2025-11-26. Review status: criteria provided, single submitter. Criteria: Invitae Variant Classification Sherloc (09022015). Collection method: clinical testing. Allele origin: germline.
Comment: This sequence change replaces glutamine, which is neutral and polar, with arginine, which is basic and polar, at codon 963 of the IFT140 protein (p.Gln963Arg). The frequency data for this variant in the population databases is considered unreliable, as metrics indicate poor data quality at this position in the gnomAD database. This variant has not been reported in the literature in individuals affected with IFT140-related conditions. Invitae Evidence Modeling of protein sequence and biophysical properties (such as structural, functional, and spatial information, amino acid conservation, physicochemical variation, residue mobility, and thermodynamic stability) indicates that this missense variant is not expected to disrupt IFT140 protein function with a negative predictive value of 80%. In summary, the available evidence is currently insufficient to determine the role of this variant in disease. Therefore, it has been classified as a Variant of Uncertain Significance.